The following is an entry in ClinVar:

ClinVar aggregate classification (germline): Conflicting classifications of pathogenicity. Review status: criteria provided, conflicting classifications (1 of 4 stars). 2 submissions from 2 submitters: Likely pathogenic (1); Uncertain significance (1). Last evaluated 2025-06-12.

Conditions:
Alport syndrome. Also called: Hemorrhagic familial nephritis; Hemorrhagic hereditary nephritis; Congenital hereditary hematuria. Identifiers: Orphanet 63, MedGen C1567741, MONDO:0018965.

Submissions (2):

Labcorp Genetics (formerly Invitae), Labcorp
Classification: Uncertain significance. Last evaluated: 2025-06-12. Review status: criteria provided, single submitter. Criteria: Invitae Variant Classification Sherloc (09022015). Collection method: clinical testing. Allele origin: germline.
Comment: This sequence change replaces glycine, which is neutral and non-polar, with arginine, which is basic and polar, at codon 76 of the COL4A3 protein (p.Gly76Arg). The frequency data for this variant in the population databases is considered unreliable, as metrics indicate poor data quality at this position in the gnomAD database. This variant has not been reported in the literature in individuals affected with COL4A3-related conditions. ClinVar contains an entry for this variant (Variation ID: 3377506). Invitae Evidence Modeling of protein sequence and biophysical properties (such as structural, functional, and spatial information, amino acid conservation, physicochemical variation, residue mobility, and thermodynamic stability) has been performed for this missense variant. However, the output from this modeling did not meet the statistical confidence thresholds required to predict the impact of this variant on COL4A3 protein function. In summary, the available evidence is currently insufficient to determine the role of this variant in disease. Therefore, it has been classified as a Variant of Uncertain Significance.

Victorian Clinical Genetics Services, Murdoch Childrens Research Institute
Classification: Likely pathogenic for Alport syndrome. Last evaluated: 2022-06-24. Review status: criteria provided, single submitter. Criteria: ACMG Guidelines, 2015. Collection method: clinical testing. Allele origin: germline. Affected: no.
Comment: Based on the classification scheme VCGS_Germline_v1.3.4, this variant is classified as likely pathogenic. The following criteria are met: 0103 - Dominant negative and loss of function are known mechanisms of disease in this gene and are associated with COL4A3-related nephropathy. Glycine changes that are part of a G-X-Y repeat in the triple helix of a collagen domain are known to have a dominant negative effect (PMID: 12028435). (I) 0108 - This gene is associated with both recessive (Alport syndrome 2 MIM#203780) and dominant disease (Alport syndrome 3 MIM#104200 and benign familial hematuria MIM#141200) (OMIM). (I) 0200 - Variant is predicted to result in a missense amino acid change from glycine to arginine. (I) 0251 - This variant is heterozygous. (I) 0304 - Variant is present in gnomAD (v3) <0.01 for a condition (3 heterozygotes, 0 homozygotes). (SP) 0309 - Two alternative amino acid changes at the same position have been observed in gnomAD (v2) (highest allele: 2 heterozygotes, 0 homozygotes). (I) 0501 - Missense variant consistently predicted to be damaging by multiple in silico tools or highly conserved with a major amino acid change. (SP) 0601 - Variant is located in the well-established functional Gly-X-Y motif in the collagen triple helical domain (DECIPHER). (SP) 0807 - This variant has no previous evidence of pathogenicity. (I) 0905 - No published segregation evidence has been identified for this variant. (I) 1007 - No published functional evidence has been identified for this variant. (I) 0705 - No comparable missense variants have previous evidence for pathogenicity. (I) Legend: (SP) - Supporting pathogenic, (I) - Information, (SB) - Supporting benign

Literature cited by the submitters: PubMed 12028435 (cited by Victorian Clinical Genetics Services, Murdoch Childrens Research Institute).

NM_000091.5(COL4A3):c.226G>A (p.Gly76Arg)

Genes: COL4A3 (collagen type IV alpha 3 chain; plus strand), MFF-DT (MFF divergent transcript; minus strand). Cytogenetic location: 2q36.3.
Variant type: single nucleotide variant.
Coding change: c.226G>A on transcript NM_000091.5 (MANE Select); coding-DNA position 226, G replaced by A.
Protein change: p.Gly76Arg; replaces glycine 76 with arginine.
Molecular consequence: missense variant.
Genome position (GRCh38, 1-based): chr2:227,240,224, G>A. VCF-style: chr2-227240224-G-A. GRCh37 (hg19) VCF-style: chr2-228104940-G-A.
Other names: short protein forms G76R.
Identifiers: ClinVar variation 3377506 (VCV003377506.3).